The following is an entry in ClinVar:

ClinVar aggregate classification (germline): Uncertain significance. Review status: criteria provided, multiple submitters, no conflicts (2 of 4 stars). 3 submissions from 3 submitters: Uncertain significance (3). Last evaluated 2025-08-13.

Conditions:
Inborn genetic diseases. Identifiers: MedGen C0950123, MeSH D030342.

Allele frequency attached by ClinVar (database versions not stated): ExAC 0.00006; TOPMed 0.00006; gnomAD 0.00008 and 0.00009; ESP Exome Variant Server 0.00015.
gnomAD v4.1: 149 of 1,614,026 alleles (0.0092%); highest among the groups gnomAD compares: Non-Finnish European, 0.012%; no homozygotes.

Submissions (3):

Ambry Genetics
Classification: Uncertain significance for Inborn genetic diseases. Last evaluated: 2025-08-13. Review status: criteria provided, single submitter. Criteria: Ambry Variant Classification Scheme 2023. Collection method: clinical testing. Allele origin: germline.

Labcorp Genetics (formerly Invitae), Labcorp
Classification: Uncertain significance. Last evaluated: 2024-05-04. Review status: criteria provided, single submitter. Criteria: Invitae Variant Classification Sherloc (09022015). Collection method: clinical testing. Allele origin: germline.
Comment: This sequence change replaces arginine, which is basic and polar, with glutamine, which is neutral and polar, at codon 1623 of the ANK3 protein (p.Arg1623Gln). This variant is present in population databases (rs143606308, gnomAD 0.01%). This variant has not been reported in the literature in individuals affected with ANK3-related conditions. ClinVar contains an entry for this variant (Variation ID: 1675420). Advanced modeling of protein sequence and biophysical properties (such as structural, functional, and spatial information, amino acid conservation, physicochemical variation, residue mobility, and thermodynamic stability) performed at Invitae indicates that this missense variant is not expected to disrupt ANK3 protein function with a negative predictive value of 80%. In summary, the available evidence is currently insufficient to determine the role of this variant in disease. Therefore, it has been classified as a Variant of Uncertain Significance.

CeGaT Center for Human Genetics Tuebingen
Classification: Uncertain significance. Last evaluated: 2022-02-01. Review status: criteria provided, single submitter. Criteria: CeGaT Center For Human Genetics Tuebingen Variant Classification Criteria Version 2. Collection method: clinical testing. Allele origin: germline. Affected: yes. Observed: 1 variant allele.

NM_020987.5(ANK3):c.4868G>A (p.Arg1623Gln)

Gene: ANK3 (ankyrin 3; minus strand). Cytogenetic location: 10q21.2.
Variant type: single nucleotide variant.
Coding change: c.4868G>A on transcript NM_020987.5 (MANE Select); coding-DNA position 4868, G replaced by A.
Protein change: p.Arg1623Gln; replaces arginine 1623 with glutamine.
Molecular consequence: missense variant. On other transcripts: intron variant (4).
Genome position (GRCh38, 1-based): chr10:60,076,013, C>T on the plus strand (G>A on the coding strand, the complement: ANK3 is on the minus strand). VCF-style: chr10-60076013-C-T. GRCh37 (hg19) VCF-style: chr10-61835771-C-T.
Other names: c.4387+4524G>A (NM_001204403.2); c.4408+4524G>A (NM_001204404.2); c.4405+4524G>A (NM_001320874.2); c.1807+4524G>A (NM_001149.4); c.4868G>A (NM_020987.3); short protein forms R1623Q.
Identifiers: ClinVar variation 1675420 (VCV001675420.37), dbSNP rs143606308, ClinGen allele CA5512096.